The following is an entry in ClinVar:

ClinVar aggregate classification (germline): Uncertain significance (1 of 4 stars; one submission).

Allele frequency attached by ClinVar (database versions not stated): TOPMed 0.00003; gnomAD 0.00006; ExAC 0.00007; gnomAD exomes 0.00008 and 0.00011; 1000 Genomes Project 30x 0.00016; 1000 Genomes Project 0.00020.

Submission:

Labcorp Genetics (formerly Invitae), Labcorp
Classification: Uncertain significance. Last evaluated: 2022-07-06. Review status: criteria provided, single submitter. Criteria: Invitae Variant Classification Sherloc (09022015). Collection method: clinical testing. Allele origin: germline.
Comment: This sequence change replaces serine, which is neutral and polar, with asparagine, which is neutral and polar, at codon 1828 of the CCDC88A protein (p.Ser1828Asn). This variant is present in population databases (rs183431317, gnomAD 0.01%). This variant has not been reported in the literature in individuals affected with CCDC88A-related conditions. ClinVar contains an entry for this variant (Variation ID: 1384873). Algorithms developed to predict the effect of missense changes on protein structure and function (SIFT, PolyPhen-2, Align-GVGD) all suggest that this variant is likely to be tolerated. In summary, the available evidence is currently insufficient to determine the role of this variant in disease. Therefore, it has been classified as a Variant of Uncertain Significance.

NM_001365480.1(CCDC88A):c.5486G>A (p.Ser1829Asn)

Gene: CCDC88A (coiled-coil domain containing 88A; minus strand). Cytogenetic location: 2p16.1.
Variant type: single nucleotide variant.
Coding change: c.5486G>A on transcript NM_001365480.1 (MANE Select); coding-DNA position 5486, G replaced by A.
Protein change: p.Ser1829Asn; replaces serine 1829 with asparagine.
Molecular consequence: missense variant.
Genome position (GRCh38, 1-based): chr2:55,295,662, C>T on the plus strand (G>A on the coding strand, the complement: CCDC88A is on the minus strand). VCF-style: chr2-55295662-C-T. GRCh37 (hg19) VCF-style: chr2-55522798-C-T.
Other names: c.5483G>A, p.Ser1828Asn (NM_001135597.2); c.5261G>A, p.Ser1754Asn (NM_001254943.2); c.5402G>A, p.Ser1801Asn (NM_018084.5); short protein forms S1754N, S1828N, S1801N, S1829N.
Identifiers: ClinVar variation 1384873 (VCV001384873.5), dbSNP rs183431317, ClinGen allele CA1665316.